The following is an entry in ClinVar:

NM_144701.3(IL23R):c.750G>T (p.Lys250Asn)

Gene: IL23R (interleukin 23 receptor; plus strand). Cytogenetic location: 1p31.3.
Variant type: single nucleotide variant.
Coding change: c.750G>T on transcript NM_144701.3 (MANE Select); coding-DNA position 750, G replaced by T.
Protein change: p.Lys250Asn; replaces lysine 250 with asparagine.
Molecular consequence: missense variant.
Genome position (GRCh38, 1-based): chr1:67,207,007, G>T. VCF-style: chr1-67207007-G-T. GRCh37 (hg19) VCF-style: chr1-67672690-G-T.
Other names: c.750G>T (NM_144701.2); short protein forms K250N.
Identifiers: ClinVar variation 1506942 (VCV001506942.7), dbSNP rs970390731, ClinGen allele CA23532757.

ClinVar aggregate classification (germline): Uncertain significance. Review status: criteria provided, multiple submitters, no conflicts (2 of 4 stars). 2 submissions from 2 submitters: Uncertain significance (2). Last evaluated 2025-03-31.

Allele frequency attached by ClinVar (database versions not stated): gnomAD exomes below 0.00001.

Submissions (2):

Ambry Genetics
Classification: Uncertain significance. Last evaluated: 2025-03-31. Review status: criteria provided, single submitter. Criteria: Ambry Variant Classification Scheme 2023. Collection method: clinical testing. Allele origin: germline.

Labcorp Genetics (formerly Invitae), Labcorp
Classification: Uncertain significance. Last evaluated: 2023-12-09. Review status: criteria provided, single submitter. Criteria: Invitae Variant Classification Sherloc (09022015). Collection method: clinical testing. Allele origin: germline.
Comment: This sequence change replaces lysine, which is basic and polar, with asparagine, which is neutral and polar, at codon 250 of the IL23R protein (p.Lys250Asn). This variant is present in population databases (no rsID available, gnomAD 0.008%). This variant has not been reported in the literature in individuals affected with IL23R-related conditions. ClinVar contains an entry for this variant (Variation ID: 1506942). Algorithms developed to predict the effect of missense changes on protein structure and function output the following: SIFT: "Not Available"; PolyPhen-2: "Possibly Damaging"; Align-GVGD: "Not Available". The asparagine amino acid residue is found in multiple mammalian species, which suggests that this missense change does not adversely affect protein function. In summary, the available evidence is currently insufficient to determine the role of this variant in disease. Therefore, it has been classified as a Variant of Uncertain Significance.